The following is an entry in ClinVar:

NM_144687.4(NLRP12):c.1444C>T (p.Arg482Trp)

Gene: NLRP12 (NLR family pyrin domain containing 12; minus strand). Cytogenetic location: 19q13.42.
Variant type: single nucleotide variant.
Coding change: c.1444C>T on transcript NM_144687.4 (MANE Select); coding-DNA position 1444, C replaced by T.
Protein change: p.Arg482Trp; replaces arginine 482 with tryptophan.
Molecular consequence: missense variant.
Genome position (GRCh38, 1-based): chr19:53,810,215, G>A on the plus strand (C>T on the coding strand, the complement: NLRP12 is on the minus strand). VCF-style: chr19-53810215-G-A. GRCh37 (hg19) VCF-style: chr19-54313469-G-A.
Other names: c.1444C>T, p.Arg482Trp (NM_001277126.2, NM_001277129.1); short protein forms R482W.
Identifiers: ClinVar variation 1982991 (VCV001982991.4), dbSNP rs1484774515, ClinGen allele CA407413515.

ClinVar aggregate classification (germline): Uncertain significance (1 of 4 stars; one submission).

Conditions:
Familial cold autoinflammatory syndrome 2 (FCAS2). Identifiers: Orphanet 247868, MedGen C2673198, MONDO:0012724, OMIM 611762.

Allele frequency attached by ClinVar (database versions not stated): gnomAD exomes below 0.00001; gnomAD 0.00001; TOPMed 0.00001.

Submission:

Labcorp Genetics (formerly Invitae), Labcorp
Classification: Uncertain significance for Familial cold autoinflammatory syndrome 2. Last evaluated: 2022-09-10. Review status: criteria provided, single submitter. Criteria: Invitae Variant Classification Sherloc (09022015). Collection method: clinical testing. Allele origin: germline.
Comment: In summary, the available evidence is currently insufficient to determine the role of this variant in disease. Therefore, it has been classified as a Variant of Uncertain Significance. Advanced modeling of protein sequence and biophysical properties (such as structural, functional, and spatial information, amino acid conservation, physicochemical variation, residue mobility, and thermodynamic stability) performed at Invitae indicates that this missense variant is not expected to disrupt NLRP12 protein function. This variant has not been reported in the literature in individuals affected with NLRP12-related conditions. This variant is not present in population databases (gnomAD no frequency). This sequence change replaces arginine, which is basic and polar, with tryptophan, which is neutral and slightly polar, at codon 482 of the NLRP12 protein (p.Arg482Trp).